The following is an entry in ClinVar:

NM_001161352.2(KCNMA1):c.378+494A>G

Gene: KCNMA1 (potassium calcium-activated channel subfamily M alpha 1; minus strand). Cytogenetic location: 10q22.3.
Variant type: single nucleotide variant.
Coding change: c.378+494A>G on transcript NM_001161352.2 (MANE Select); 494 bases into the intron after coding-DNA position 378, A replaced by G.
Molecular consequence: intron variant. On other transcripts: missense variant (1).
Genome position (GRCh38, 1-based): chr10:77,636,771, T>C on the plus strand (A>G on the coding strand, the complement: KCNMA1 is on the minus strand). VCF-style: chr10-77636771-T-C. GRCh37 (hg19) VCF-style: chr10-79396529-T-C.
Other names: c.614A>G, p.Glu205Gly (NM_001271520.2); c.378+494A>G (NM_001271518.2, NM_001322832.2, NM_001410940.1 and 11 more transcripts); c.379-256A>G (NM_001271522.2); c.379-202A>G (NM_001271521.2); c.491+123A>G (NM_001322839.2); short protein forms E205G.
Identifiers: ClinVar variation 5007742 (VCV005007742.2).

ClinVar aggregate classification (germline): Uncertain significance (1 of 4 stars; one submission).

Conditions:
Liang-Wang syndrome. Identifiers: Orphanet 664438, MedGen C5231479, MONDO:0032886, OMIM 618729.
Epilepsy, idiopathic generalized, susceptibility to, 16. Identifiers: MedGen C5231421, MONDO:0032827, OMIM 618596.
Cerebellar atrophy, developmental delay, and seizures. Identifiers: MedGen C4539985, MONDO:0060551, OMIM 617643.
Generalized epilepsy-paroxysmal dyskinesia syndrome (PNKD3). Also called: Generalized epilepsy and paroxysmal dyskinesia; Paroxysmal nonkinesigenic dyskinesia, 3, with or without generalized epilepsy. Identifiers: Orphanet 79137, MedGen C5574945, MONDO:0012276, OMIM 609446.

Submission:

Juno Genomics, Hangzhou Juno Genomics, Inc
Classification: Uncertain significance for Epilepsy, idiopathic generalized, susceptibility to, 16; Cerebellar atrophy, developmental delay, and seizures; Liang-Wang syndrome; Generalized epilepsy-paroxysmal dyskinesia syndrome. Review status: criteria provided, single submitter. Criteria: ACMG Guidelines, 2015. Collection method: clinical testing. Allele origin: germline.
Comment: Absent from controls (or at extremely low frequency if recessive) in Genome Aggregation Database.